The following is an entry in ClinVar:

ClinVar aggregate classification (germline): Uncertain significance (1 of 4 stars; one submission).

Conditions:
Inborn genetic diseases. Identifiers: MedGen C0950123, MeSH D030342.

Submission:

Ambry Genetics
Classification: Uncertain significance for Inborn genetic diseases. Last evaluated: 2026-02-16. Review status: criteria provided, single submitter. Criteria: Ambry Variant Classification Scheme 2023. Collection method: clinical testing. Allele origin: germline.
Comment: The p.T390S variant (also known as c.1168A>T), located in coding exon 7 of the ETV6 gene, results from an A to T substitution at nucleotide position 1168. The threonine at codon 390 is replaced by serine, an amino acid with similar properties. This amino acid position is conserved. In addition, the in silico prediction for this alteration is inconclusive. Based on the available evidence, the clinical significance of this variant remains unclear.

NM_001987.5(ETV6):c.1168A>T (p.Thr390Ser)

Gene: ETV6 (ETS variant transcription factor 6; plus strand). Cytogenetic location: 12p13.2.
Variant type: single nucleotide variant.
Coding change: c.1168A>T on transcript NM_001987.5 (MANE Select); coding-DNA position 1168, A replaced by T.
Protein change: p.Thr390Ser; replaces threonine 390 with serine.
Molecular consequence: missense variant. On other transcripts: intron variant (1).
Genome position (GRCh38, 1-based): chr12:11,885,941, A>T. VCF-style: chr12-11885941-A-T. GRCh37 (hg19) VCF-style: chr12-12038875-A-T.
Other names: c.1165A>T, p.Thr389Ser (NM_001413913.1); c.1141A>T, p.Thr381Ser (NM_001413914.1); c.904A>T, p.Thr302Ser (NM_001413915.1); c.1010-5000A>T (NM_001413917.1); short protein forms T390S, T302S, T381S, T389S.
Identifiers: ClinVar variation 4824071 (VCV004824071.1).